The following is an entry in ClinVar:

NM_006514.4(SCN10A):c.120G>T (p.Lys40Asn)

Gene: SCN10A (sodium voltage-gated channel alpha subunit 10; minus strand). Cytogenetic location: 3p22.2.
Variant type: single nucleotide variant.
Coding change: c.120G>T on transcript NM_006514.4 (MANE Select); coding-DNA position 120, G replaced by T.
Protein change: p.Lys40Asn; replaces lysine 40 with asparagine.
Molecular consequence: missense variant.
Genome position (GRCh38, 1-based): chr3:38,793,891, C>A on the plus strand (G>T on the coding strand, the complement: SCN10A is on the minus strand). VCF-style: chr3-38793891-C-A. GRCh37 (hg19) VCF-style: chr3-38835382-C-A.
Other names: c.120G>T, p.Lys40Asn (NM_001293306.2, NM_001293307.2); short protein forms K40N.
Identifiers: ClinVar variation 463231 (VCV000463231.5), dbSNP rs1553626242, ClinGen allele CA352163090.
Genomic context (GRCh38, chr3:38,793,891, plus strand): 5'-GCAGGCTTTCAAGTCCAGCTGGGGCCGAGGCTTCTCTTCTTGGTCCTTCTGCTCCCTATG[C>A]TTCTCTCTGGCTTTCTTTGTTCCCTGCTTGGCAGCAATTTGCTTCTCTATCTCCACCAGT-3'
Protein context (NP_006505.4, residues 30-50): AKQGTKKARE[Lys40Asn]HREQKDQEEK

ClinVar aggregate classification (germline): Uncertain significance (1 of 4 stars; one submission).

Conditions:
Brugada syndrome. Also called: Sudden Unexplained Death Syndrome; Sudden Unexplained Nocturnal Death Syndrome (SUNDS); Sudden unexpected nocturnal death syndrome; Sudden unexplained nocturnal death syndrome. Identifiers: Orphanet 130, MedGen C1142166, MONDO:0015263.

Allele frequency attached by ClinVar (database versions not stated): TOPMed below 0.00001.

Submission:

Labcorp Genetics (formerly Invitae), Labcorp
Classification: Uncertain significance for Brugada syndrome. Last evaluated: 2017-06-16. Review status: criteria provided, single submitter. Criteria: Invitae Variant Classification Sherloc (09022015). Collection method: clinical testing. Allele origin: germline.
Comment: In summary, this variant has uncertain impact on SCN10A function. The available evidence is currently insufficient to determine its role in disease. Therefore, it has been classified as a Variant of Uncertain Significance. This sequence change replaces lysine with asparagine at codon 40 of the SCN10A protein (p.Lys40Asn). The lysine residue is weakly conserved and there is a moderate physicochemical difference between lysine and asparagine. This variant is not present in population databases (ExAC no frequency). This variant has not been reported in the literature in individuals with a SCN10A-related disease. Algorithms developed to predict the effect of missense changes on protein structure and function (SIFT, PolyPhen-2, Align-GVGD) all suggest that this variant is likely to be tolerated, but these predictions have not been confirmed by published functional studies and their clinical significance is uncertain.